The following is an entry in ClinVar:

NM_001081.4(CUBN):c.9053A>C (p.Tyr3018Ser)

Gene: CUBN (cubilin; minus strand). Cytogenetic location: 10p13.
Variant type: single nucleotide variant.
Coding change: c.9053A>C on transcript NM_001081.4 (MANE Select); coding-DNA position 9053, A replaced by C.
Protein change: p.Tyr3018Ser; replaces tyrosine 3018 with serine.
Molecular consequence: missense variant.
Genome position (GRCh38, 1-based): chr10:16,876,950, T>G on the plus strand (A>C on the coding strand, the complement: CUBN is on the minus strand). VCF-style: chr10-16876950-T-G. GRCh37 (hg19) VCF-style: chr10-16918949-T-G.
Other names: CUBN, TYR3018SER (rs370778353); short protein forms Y3018S.
Identifiers: ClinVar variation 522507 (VCV000522507.26), dbSNP rs370778353, ClinGen allele CA5422829.
Genomic context (GRCh38, chr10:16,876,950, plus strand): 5'-TACTCACAGATTATCCTATAGGAAAACTTGAATCCGAAGTCTGTGATTTGCTCGTTGGAG[T>G]AGAAGTTAAGCAGAACCGGCCCAGCGATGGTGAGGGGAGCTGGCATCTCATCCCCACACA-3'
Protein context (NP_001072.2, residues 3008-3028): TIAGPVLLNF[Tyr3018Ser]SNEQITDFGF

ClinVar aggregate classification (germline): Conflicting classifications of pathogenicity. Review status: criteria provided, conflicting classifications (1 of 4 stars). 17 submissions from 17 submitters: Pathogenic (6); Likely pathogenic (6); Uncertain significance (3). 2 of the submissions do not count toward it. Last evaluated 2026-06-16.

Conditions:
Proteinuria, chronic benign. Identifiers: MedGen C5394384, MONDO:0030042, OMIM 618884.
Imerslund-Grasbeck syndrome type 1 (IGS1). Also called: MEGALOBLASTIC ANEMIA, 1; Imerslund-Gräsbeck syndrome 1; Megaloblastic anemia 1, Finnish type. Identifiers: MedGen C4016819, MONDO:0100156, OMIM 261100.
CUBN-related disorders.
CUBN-related disorder. Also called: CUBN-related condition.
Imerslund-Grasbeck syndrome. Also called: Imerslund-Gräsbeck syndrome; Megaloblastic anemia due to inborn errors of metabolism; ENTEROCYTE COBALAMIN MALABSORPTION; ENTEROCYTE INTRINSIC FACTOR RECEPTOR, DEFECT OF; PERNICIOUS ANEMIA, JUVENILE, DUE TO SELECTIVE INTESTINAL MALABSORPTION OF VITAMIN B12, WITH PROTEINURIA. Identifiers: Orphanet 35858, MedGen C4551825, MONDO:0009853.

Allele frequency attached by ClinVar (database versions not stated): gnomAD 0.00009; gnomAD exomes 0.00011 and 0.00013; TOPMed 0.00012; ExAC 0.00013; ESP Exome Variant Server 0.00023.
gnomAD v4.1: 185 of 1,613,954 alleles (0.011%); highest among the groups gnomAD compares: Middle Eastern, 0.082%; no homozygotes.

Submissions (17):

PreventionGenetics, part of Exact Sciences
Classification: Likely pathogenic for CUBN-related condition. Last evaluated: 2026-06-16. Review status: criteria provided, single submitter. Criteria: ACMG Guidelines, 2015. Collection method: clinical testing. Allele origin: germline.
Comment: The CUBN c.9053A>C variant is predicted to result in the amino acid substitution p.Tyr3018Ser. This variant is located in the C-terminal region and has been reported in the compound heterozygous or homozygous states in many unrelated individuals with chronic proteinuria (see for example, Supplemental Table 2 of Bedin et al. 2019. PubMed ID: 31613795; Domingo-Gallego et al. 2021. PubMed ID: 34610128; Cicek et al. 2022. PubMed ID: 36112210). This variant is reported in 0.019% of alleles in individuals of European (Non-Finnish) descent in gnomAD. This variant is interpreted as likely pathogenic.

Victorian Clinical Genetics Services, Murdoch Childrens Research Institute
Classification: Pathogenic for Proteinuria, chronic benign. Last evaluated: 2026-05-11. Review status: criteria provided, single submitter. Criteria: ACMG Guidelines, 2015. Collection method: clinical testing. Allele origin: germline. Affected: yes.
Comment: This variant is classified as Pathogenic. Evidence in support of pathogenic classification: Variant is present in gnomAD <0.01 for a recessive condition (v4: 185 heterozygote(s), 0 homozygote(s)); This variant has strong previous evidence of pathogenicity in unrelated individuals. This variant has been reported in the literature in multiple individuals with kidney disease (PMID: 31613795). This variant has also been classified as pathogenic/likely pathogenic and VUS by clinical laboratories in ClinVar. Additional information: Variant is predicted to result in a missense amino acid change from Tyr to Ser; This variant is heterozygous; This gene is associated with autosomal recessive disease; Alternative amino acid change(s) at the same position are present in gnomAD (highest allele count: v4: 1 heterozygote(s), 0 homozygote(s)); Variant is located in the annotated CUB domain (DECIPHER); Missense variant with inconclusive in silico prediction and/or uninformative conservation; Loss of function is a known mechanism of disease in this gene and is associated with proteinuria, chronic benign MIM#618884 and Imerslund-Grasbeck syndrome 1 MIM#261100. Variants downstream of the vitamin B12/IF-binding domain are associated with isolated proteinuria (PMID: 31613795); Inheritance information for this variant is not currently available in this individual.

CeGaT Center for Human Genetics Tuebingen
Classification: Pathogenic. Last evaluated: 2025-11-01. Review status: criteria provided, single submitter. Criteria: CeGaT Center For Human Genetics Tuebingen Variant Classification Criteria Version 2. Collection method: clinical testing. Allele origin: germline. Affected: yes. Observed: 1 variant allele.
Comment: CUBN: PM3:Strong, PP1:Strong, PM2, PP4, BP4

Women's Health and Genetics/Laboratory Corporation of America, LabCorp
Classification: Uncertain significance. Last evaluated: 2025-10-13. Review status: criteria provided, single submitter. Criteria: LabCorp Variant Classification Summary - May 2015. Collection method: clinical testing. Allele origin: germline.
Comment: Variant summary: CUBN c.9053A>C (p.Tyr3018Ser) results in a non-conservative amino acid change in the encoded protein sequence. Algorithms developed to predict the effect of missense changes on protein structure and function are either unavailable or do not agree on the potential impact of this missense change. The variant allele was found at a frequency of 0.00013 in 251450 control chromosomes. This frequency is not significantly higher than estimated for disease-causing variants in CUBN, allowing no conclusion about variant significance. c.9053A>C has been observed in individuals affected with chronic proteinuria and several individuals showed normal kidney (Bedin_2020, Domingo-Gallego_2021, Cicek_2022, Joshi_2021). These reports do not provide unequivocal conclusions about association of the variant with Imerslund-Grasbeck Syndrome Type 1. To our knowledge, no experimental evidence demonstrating an impact on protein function has been reported. The following publications have been ascertained in the context of this evaluation (PMID: 31613795, 36112210, 34610128, 33980730). ClinVar contains an entry for this variant (Variation ID: 522507). Based on the evidence outlined above, the variant was classified as uncertain significance.

GeneDx
Classification: Pathogenic. Last evaluated: 2025-07-09. Review status: criteria provided, single submitter. Criteria: GeneDx Variant Classification Process June 2021. Collection method: clinical testing. Allele origin: germline. Affected: yes.
Comment: In silico analysis supports that this missense variant has a deleterious effect on protein structure/function; This variant is associated with the following publications: (PMID: 34426522, 33031161, 34610128, 31613795, 36898413, 33532864, Simsek2024[CaseReport], 36112210, 37384121, 37710296, 38338714)

MVZ Medizinische Genetik Mainz
Classification: Pathogenic for Proteinuria, chronic benign. Last evaluated: 2025-05-14. Review status: criteria provided, single submitter. Criteria: UK Practice Guidelines For Variant Classification V4 01 2020. Collection method: clinical testing. Allele origin: germline. Inheritance: Autosomal recessive inheritance. Affected: yes. Observed: 1 variant allele.
Comment: Compound Heterozygote

First Genomix Gene Laboratory, Genetic Diagnostics Department
Classification: Likely pathogenic for Proteinuria, chronic benign; Imerslund-Grasbeck syndrome type 1. Last evaluated: 2025-04-09. Review status: criteria provided, single submitter. Criteria: ACMG Guidelines, 2015. Collection method: clinical testing. Allele origin: germline. Inheritance: Autosomal recessive inheritance. Affected: no. Observed: 1 variant allele.

3billion
Classification: Likely pathogenic for Imerslund-Grasbeck syndrome type 1. Last evaluated: 2025-03-14. Review status: criteria provided, single submitter. Criteria: ACMG Guidelines, 2015. Collection method: clinical testing. Allele origin: germline. Affected: yes.

Blueprint Genetics
Classification: Pathogenic for CUBN-related disorders. Last evaluated: 2024-11-13. Review status: criteria provided, single submitter. Criteria: ACMG Guidelines, 2015. Collection method: clinical testing. Allele origin: germline. Affected: yes. Observed: 5 variant alleles.

Fulgent Genetics
Classification: Pathogenic for Imerslund-Grasbeck syndrome type 1; Proteinuria, chronic benign. Last evaluated: 2024-02-02. Review status: criteria provided, single submitter. Criteria: ACMG Guidelines, 2015. Collection method: clinical testing. Allele origin: germline.

Department of Pathology and Laboratory Medicine, Sinai Health System
Classification: Likely pathogenic for Imerslund-Grasbeck syndrome type 1; Proteinuria, chronic benign. Last evaluated: 2023-07-28. Review status: criteria provided, single submitter. Criteria: ACMG Guidelines, 2015. Collection method: research. Allele origin: germline.

Labcorp Genetics (formerly Invitae), Labcorp
Classification: Uncertain significance for Imerslund-Grasbeck syndrome. Last evaluated: 2022-04-18. Review status: criteria provided, single submitter. Criteria: Invitae Variant Classification Sherloc (09022015). Collection method: clinical testing. Allele origin: germline.
Comment: This sequence change replaces tyrosine, which is neutral and polar, with serine, which is neutral and polar, at codon 3018 of the CUBN protein (p.Tyr3018Ser). This variant is present in population databases (rs370778353, gnomAD 0.02%). This missense change has been observed in individual(s) with clinical features of genetic kidney disease (PMID: 31613795, 33532864). ClinVar contains an entry for this variant (Variation ID: 522507). Algorithms developed to predict the effect of missense changes on protein structure and function (SIFT, PolyPhen-2, Align-GVGD) all suggest that this variant is likely to be disruptive. In summary, the available evidence is currently insufficient to determine the role of this variant in disease. Therefore, it has been classified as a Variant of Uncertain Significance.

AiLife Diagnostics
Classification: Likely pathogenic. Last evaluated: 2022-02-10. Review status: criteria provided, single submitter. Criteria: ACMG Guidelines, 2015. Collection method: clinical testing. Allele origin: germline. Affected: yes. Observed: 1 variant allele.

Molecular Biology Laboratory, Fundació Puigvert
Classification: Likely pathogenic for Proteinuria, chronic benign. Last evaluated: 2020-02-01. Review status: criteria provided, single submitter. Criteria: ACMG Guidelines, 2015. Collection method: research. Allele origin: maternal. Affected: yes.

Mendelics
Classification: Uncertain significance for Imerslund-Grasbeck syndrome type 1. Last evaluated: 2019-05-28. Review status: criteria provided, single submitter. Criteria: Mendelics Assertion Criteria 2017. Collection method: clinical testing. Allele origin: unknown.

OMIM
Classification: Affects for PROTEINURIA, CHRONIC BENIGN. Last evaluated: 2020-05-19. Review status: no assertion criteria provided. Collection method: literature only. Allele origin: germline. Not counted in ClinVar's aggregate classification.

Bioscientia Institut fuer Medizinische Diagnostik GmbH, Sonic Healthcare
Classification: Uncertain significance for Imerslund-Grasbeck syndrome type 1. Last evaluated: 2017-10-09. Review status: no assertion criteria provided. Collection method: clinical testing. Allele origin: germline. Affected: yes. Not counted in ClinVar's aggregate classification.

Literature cited by the submitters: PubMed 31613795 (cited by 6 submitters); PubMed 33980730 (cited by Women's Health and Genetics/Laboratory Corporation of America, LabCorp); PubMed 36112210 (cited by Women's Health and Genetics/Laboratory Corporation of America, LabCorp); PubMed 34610128 (cited by Women's Health and Genetics/Laboratory Corporation of America, LabCorp); PubMed 33532864 (cited by Labcorp Genetics (formerly Invitae), Labcorp and Molecular Biology Laboratory, Fundació Puigvert).